The following is an entry in ClinVar:

ClinVar aggregate classification (germline): Uncertain significance (1 of 4 stars; one submission).

gnomAD v4.1: 2 of 1,606,620 alleles (0.00012%); highest among the groups gnomAD compares: South Asian, 0.0022%; no homozygotes.

Submission:

Ambry Genetics
Classification: Uncertain significance. Last evaluated: 2026-06-04. Review status: criteria provided, single submitter. Criteria: Ambry Variant Classification Scheme 2023. Collection method: clinical testing. Allele origin: germline.
Comment: The c.3053G>A (p.S1018N) alteration is located in exon 21 (coding exon 21) of the CROCC gene. This alteration results from a G to A substitution at nucleotide position 3053, causing the serine (S) at amino acid position 1018 to be replaced by an asparagine (N). Based on data from gnomAD, the A allele has an overall frequency of <0.001% (1/235710) total alleles studied. The highest observed frequency was 0.003% (1/29464) of South Asian alleles. Based on insufficient or conflicting evidence, the clinical significance of this alteration remains unclear.

NM_014675.5(CROCC):c.3053G>A (p.Ser1018Asn)

Gene: CROCC (ciliary rootlet coiled-coil, rootletin; plus strand). Cytogenetic location: 1p36.13.
Variant type: single nucleotide variant.
Coding change: c.3053G>A on transcript NM_014675.5 (MANE Select); coding-DNA position 3053, G replaced by A.
Protein change: p.Ser1018Asn; replaces serine 1018 with asparagine.
Molecular consequence: missense variant.
Genome position (GRCh38, 1-based): chr1:16,953,348, G>A. VCF-style: chr1-16953348-G-A. GRCh37 (hg19) VCF-style: chr1-17279843-G-A.
Other names: short protein forms S1018N.
Identifiers: ClinVar variation 4869421 (VCV004869421.1).